The following is an entry in ClinVar:

NM_013382.7(POMT2):c.25C>G (p.Leu9Val)

Genes: POMT2 (protein O-mannosyltransferase 2; minus strand), LOC130056177 (ATAC-STARR-seq lymphoblastoid silent region 5970; plus strand). Cytogenetic location: 14q24.3.
Variant type: single nucleotide variant.
Coding change: c.25C>G on transcript NM_013382.7 (MANE Select); coding-DNA position 25, C replaced by G.
Protein change: p.Leu9Val; replaces leucine 9 with valine.
Molecular consequence: missense variant.
Genome position (GRCh38, 1-based): chr14:77,320,657, G>C on the plus strand (C>G on the coding strand, the complement: POMT2 is on the minus strand). VCF-style: chr14-77320657-G-C. GRCh37 (hg19) VCF-style: chr14-77787000-G-C.
Other names: short protein forms L9V.
Identifiers: ClinVar variation 1350904 (VCV001350904.5), dbSNP rs1280735533, ClinGen allele CA390504980.
Genomic context (GRCh38, chr14:77,320,657, plus strand): 5'-CGGCCCTAGCAGCCTGGGGGCCACAGCGGCCCCTCCGGGGACGCAGCTCGGACTCTGCCA[G>C]GCCTCCGCCCGTGGCCGGCGGCATCTTCCCCCTCCTCTGGGTCGCCCTCCGGCCCGGAGG-3'
Protein context (NP_037514.2, residues 1-19): MPPATGGG[Leu9Val]AESELRPRRG

ClinVar aggregate classification (germline): Uncertain significance (1 of 4 stars; one submission).

Conditions:
Muscular dystrophy-dystroglycanopathy (congenital with brain and eye anomalies), type A2. Also called: MUSCULAR DYSTROPHY-DYSTROGLYCANOPATHY (CONGENITAL WITH BRAIN AND EYE ANOMALIES), TYPE A, 2; WALKER-WARBURG SYNDROME OR MUSCLE-EYE-BRAIN DISEASE, POMT2-RELATED. Identifiers: Orphanet 588, Orphanet 899, MedGen C3150411, MONDO:0013154, OMIM 613150.
Autosomal recessive limb-girdle muscular dystrophy type 2N. Also called: MUSCULAR DYSTROPHY-DYSTROGLYCANOPATHY, LIMB-GIRDLE, POMT2-RELATED; Muscular dystrophy-dystroglycanopathy (limb-girdle), type C, 2. Identifiers: Orphanet 206559, MedGen C3150418, MONDO:0013162, OMIM 613158.
Muscular dystrophy-dystroglycanopathy (congenital with impaired intellectual development), type B, 2. Also called: MUSCULAR DYSTROPHY, CONGENITAL, POMT2-RELATED; Muscular dystrophy-dystroglycanopathy (congenital with intellectual disability), type B2. Identifiers: MedGen C3150416, MONDO:0013160, OMIM 613156.

Allele frequency attached by ClinVar (database versions not stated): gnomAD 0.00001; gnomAD exomes below 0.00001.
gnomAD v4.1: 8 of 1,593,636 alleles (0.0005%); highest among the groups gnomAD compares: Admixed American, 0.0033%; no homozygotes.

Submission:

Labcorp Genetics (formerly Invitae), Labcorp
Classification: Uncertain significance for Muscular dystrophy-dystroglycanopathy (congenital with impaired intellectual development), type B, 2; Muscular dystrophy-dystroglycanopathy (congenital with brain and eye anomalies), type A2; Autosomal recessive limb-girdle muscular dystrophy type 2N. Last evaluated: 2022-07-05. Review status: criteria provided, single submitter. Criteria: Invitae Variant Classification Sherloc (09022015). Collection method: clinical testing. Allele origin: germline.
Comment: This sequence change replaces leucine, which is neutral and non-polar, with valine, which is neutral and non-polar, at codon 9 of the POMT2 protein (p.Leu9Val). This variant is present in population databases (no rsID available, gnomAD 0.001%). This variant has not been reported in the literature in individuals affected with POMT2-related conditions. ClinVar contains an entry for this variant (Variation ID: 1350904). Algorithms developed to predict the effect of missense changes on protein structure and function (SIFT, PolyPhen-2, Align-GVGD) all suggest that this variant is likely to be tolerated. In summary, the available evidence is currently insufficient to determine the role of this variant in disease. Therefore, it has been classified as a Variant of Uncertain Significance.